The following is an entry in ClinVar:

NM_198253.3(TERT):c.261G>T (p.Arg87Ser)

Gene: TERT (telomerase reverse transcriptase; minus strand). Cytogenetic location: 5p15.33.
Variant type: single nucleotide variant.
Coding change: c.261G>T on transcript NM_198253.3 (MANE Select); coding-DNA position 261, G replaced by T.
Protein change: p.Arg87Ser; replaces arginine 87 with serine.
Molecular consequence: missense variant. On other transcripts: non-coding transcript variant (2).
Genome position (GRCh38, 1-based): chr5:1,294,625, C>A on the plus strand (G>T on the coding strand, the complement: TERT is on the minus strand). VCF-style: chr5-1294625-C-A. GRCh37 (hg19) VCF-style: chr5-1294740-C-A.
Other names: c.261G>T (NM_198253.2); c.261G>T, p.Arg87Ser (NM_001193376.3); short protein forms R87S.
Identifiers: ClinVar variation 1350660 (VCV001350660.7), dbSNP rs1033845124, ClinGen allele CA112915413.

ClinVar aggregate classification (germline): Uncertain significance. Review status: criteria provided, multiple submitters, no conflicts (2 of 4 stars). 3 submissions from 3 submitters: Uncertain significance (3). Last evaluated 2023-10-12.

Conditions:
Dyskeratosis congenita, autosomal dominant 2. Identifiers: MedGen C3151443, MONDO:0013521, OMIM 613989.
Idiopathic Pulmonary Fibrosis. Also called: Idiopathic fibrosing alveolitis, chronic form; idiopathic fibrosing alveolitis. Identifiers: Orphanet 2032, MedGen C1800706, MeSH D054990, MONDO:0800504.
Dyskeratosis congenita. Identifiers: Orphanet 1775, MedGen C0265965, MONDO:0015780.

Allele frequency attached by ClinVar (database versions not stated): TOPMed below 0.00001.
gnomAD v4.1: 1 of 1,596,376 alleles (0.000063%); highest among the groups gnomAD compares: Non-Finnish European, 0.000085%; no homozygotes.

Submissions (3):

Ambry Genetics
Classification: Uncertain significance for Dyskeratosis congenita. Last evaluated: 2023-10-12. Review status: criteria provided, single submitter. Criteria: Ambry Variant Classification Scheme 2023. Collection method: clinical testing. Allele origin: germline.
Comment: The p.R87S variant (also known as c.261G>T), located in coding exon 2 of the TERT gene, results from a G to T substitution at nucleotide position 261. The arginine at codon 87 is replaced by serine, an amino acid with dissimilar properties. This amino acid position is conserved. In addition, the in silico prediction for this alteration is inconclusive. Since supporting evidence is limited at this time, the clinical significance of this alteration remains unclear.

Baylor Genetics
Classification: Uncertain significance for Dyskeratosis congenita, autosomal dominant 2. Last evaluated: 2023-09-01. Review status: criteria provided, single submitter. Criteria: ACMG Guidelines, 2015. Collection method: clinical testing. Allele origin: unknown.

Labcorp Genetics (formerly Invitae), Labcorp
Classification: Uncertain significance for Dyskeratosis congenita, autosomal dominant 2; Idiopathic Pulmonary Fibrosis. Last evaluated: 2022-05-15. Review status: criteria provided, single submitter. Criteria: Invitae Variant Classification Sherloc (09022015). Collection method: clinical testing. Allele origin: germline.
Comment: This sequence change replaces arginine, which is basic and polar, with serine, which is neutral and polar, at codon 87 of the TERT protein (p.Arg87Ser). This variant is not present in population databases (gnomAD no frequency). This variant has not been reported in the literature in individuals affected with TERT-related conditions. Advanced modeling of protein sequence and biophysical properties (such as structural, functional, and spatial information, amino acid conservation, physicochemical variation, residue mobility, and thermodynamic stability) performed at Invitae indicates that this missense variant is expected to disrupt TERT protein function. In summary, the available evidence is currently insufficient to determine the role of this variant in disease. Therefore, it has been classified as a Variant of Uncertain Significance.